The following is an entry in ClinVar:

ClinVar aggregate classification (germline): Uncertain significance (1 of 4 stars; one submission).

gnomAD v4.1: 7 of 1,613,014 alleles (0.00043%); highest among the groups gnomAD compares: Non-Finnish European, 0.00059%; no homozygotes.

Submission:

Labcorp Genetics (formerly Invitae), Labcorp
Classification: Uncertain significance. Last evaluated: 2025-01-15. Review status: criteria provided, single submitter. Criteria: Invitae Variant Classification Sherloc (09022015). Collection method: clinical testing. Allele origin: germline.
Comment: This sequence change replaces aspartic acid, which is acidic and polar, with asparagine, which is neutral and polar, at codon 429 of the CCDC50 protein (p.Asp429Asn). This variant is not present in population databases (gnomAD no frequency). This variant has not been reported in the literature in individuals affected with CCDC50-related conditions. An algorithm developed to predict the effect of missense changes on protein structure and function outputs the following: PolyPhen-2: "Benign". The asparagine amino acid residue is found in multiple mammalian species, which suggests that this missense change does not adversely affect protein function. In summary, the available evidence is currently insufficient to determine the role of this variant in disease. Therefore, it has been classified as a Variant of Uncertain Significance.

NM_178335.3(CCDC50):c.1285G>A (p.Asp429Asn)

Gene: CCDC50 (coiled-coil domain containing 50; plus strand). Cytogenetic location: 3q28.
Variant type: single nucleotide variant.
Coding change: c.1285G>A on transcript NM_178335.3 (MANE Select); coding-DNA position 1285, G replaced by A.
Protein change: p.Asp429Asn; replaces aspartic acid 429 with asparagine.
Molecular consequence: missense variant.
Genome position (GRCh38, 1-based): chr3:191,382,788, G>A. VCF-style: chr3-191382788-G-A. GRCh37 (hg19) VCF-style: chr3-191100577-G-A.
Other names: c.757G>A, p.Asp253Asn (NM_174908.4); short protein forms D253N, D429N.
Identifiers: ClinVar variation 3729058 (VCV003729058.2).